The following is an entry in ClinVar:

ClinVar aggregate classification (germline): Pathogenic. Review status: criteria provided, multiple submitters, no conflicts (2 of 4 stars). 2 submissions from 2 submitters: Pathogenic (2). Last evaluated 2025-12-27.

Conditions:
Intellectual developmental disorder, autosomal dominant 29. Also called: SETBP1 Haploinsufficiency Disorder; Intellectual disability, autosomal dominant 29. Identifiers: Orphanet 436151, MedGen C4015141, MONDO:0014482, OMIM 616078.

Submissions (2):

GeneDx
Classification: Pathogenic. Last evaluated: 2025-12-27. Review status: criteria provided, single submitter. Criteria: GeneDx Variant Classification Process June 2021. Collection method: clinical testing. Allele origin: germline. Affected: yes.
Comment: Nonsense variant predicted to result in protein truncation or nonsense mediated decay in a gene for which loss of function is a known mechanism of disease; Not observed at significant frequency in large population cohorts (gnomAD); Has not been previously published as pathogenic or benign to our knowledge

3billion
Classification: Pathogenic for Intellectual developmental disorder, autosomal dominant 29. Review status: criteria provided, single submitter. Criteria: ACMG Guidelines, 2015. Collection method: clinical testing. Allele origin: unknown. Affected: yes. Observed: 1 heterozygote.
Comment: The variant is not observed in the gnomAD v2.1.1 dataset. The variant is predicted to result in a loss or disruption of normal protein function through nonsense-mediated decay (NMD) or protein truncation. Multiple pathogenic variants are reported downstream of the variant. The variant has been reported to be associated with SETBP1 related disorder (ClinVar ID: VCV000620306). Therefore, this variant is classified as Pathogenic according to the recommendation of ACMG/AMP guideline.

NM_015559.3(SETBP1):c.666G>A (p.Trp222Ter)

Gene: SETBP1 (SET binding protein 1; plus strand). Cytogenetic location: 18q12.3.
Variant type: single nucleotide variant.
Coding change: c.666G>A on transcript NM_015559.3 (MANE Select); coding-DNA position 666, G replaced by A.
Protein change: p.Trp222Ter; replaces tryptophan 222 with a stop codon.
Molecular consequence: nonsense.
Genome position (GRCh38, 1-based): chr18:44,950,006, G>A. VCF-style: chr18-44950006-G-A. GRCh37 (hg19) VCF-style: chr18-42529971-G-A.
Other names: c.666G>A, p.Trp222Ter (LRG_1150t1); short protein forms W222*.
Identifiers: ClinVar variation 620306 (VCV000620306.3), dbSNP rs1391600900, ClinGen allele CA402316576.
Genomic context (GRCh38, chr18:44,950,006, plus strand): 5'-CGGTGACACCTTAAAACCAAAGCACCAGCAAAAAAGCAGCAGCCAGAACCACATGGACTG[G>A]TCCACCAACTCTGACAGCGGACCCGTCACTCAGAATTGCTTCATCAGTCCAGAGTCTGGC-3'